The following is an entry in ClinVar:

ClinVar aggregate classification (germline): Uncertain significance (1 of 4 stars; one submission).

Conditions:
Chédiak-Higashi syndrome (CHS). Also called: Chediak-Higashi Syndrome. Identifiers: Orphanet 167, MedGen C0007965, MONDO:0008963, OMIM 214500.

Allele frequency attached by ClinVar (database versions not stated): TOPMed below 0.00001.
gnomAD v4.1: 1 of 1,597,104 alleles (0.000063%); no homozygotes.

Submission:

Labcorp Genetics (formerly Invitae), Labcorp
Classification: Uncertain significance for Chédiak-Higashi syndrome. Last evaluated: 2020-10-10. Review status: criteria provided, single submitter. Criteria: Invitae Variant Classification Sherloc (09022015). Collection method: clinical testing. Allele origin: germline.
Comment: Algorithms developed to predict the effect of missense changes on protein structure and function are either unavailable or do not agree on the potential impact of this missense change (SIFT: "Tolerated"; PolyPhen-2: "Probably Damaging"; Align-GVGD: "Class C0"). In summary, the available evidence is currently insufficient to determine the role of this variant in disease. Therefore, it has been classified as a Variant of Uncertain Significance. This variant has not been reported in the literature in individuals with LYST-related conditions. This variant is not present in population databases (ExAC no frequency). This sequence change replaces valine with methionine at codon 1135 of the LYST protein (p.Val1135Met). The valine residue is moderately conserved and there is a small physicochemical difference between valine and methionine.

NM_000081.4(LYST):c.3403G>A (p.Val1135Met)

Gene: LYST (lysosomal trafficking regulator; minus strand). Cytogenetic location: 1q42.3.
Variant type: single nucleotide variant.
Coding change: c.3403G>A on transcript NM_000081.4 (MANE Select); coding-DNA position 3403, G replaced by A.
Protein change: p.Val1135Met; replaces valine 1135 with methionine.
Molecular consequence: missense variant.
Genome position (GRCh38, 1-based): chr1:235,804,656, C>T on the plus strand (G>A on the coding strand, the complement: LYST is on the minus strand). VCF-style: chr1-235804656-C-T. GRCh37 (hg19) VCF-style: chr1-235967956-C-T.
Other names: c.3403G>A, p.Val1135Met (NM_001301365.1); short protein forms V1135M.
Identifiers: ClinVar variation 1063473 (VCV001063473.8), dbSNP rs1672616660, ClinGen allele CA344949404.